The following is an entry in ClinVar:

NM_001035.3(RYR2):c.6211C>T (p.Gln2071Ter)

Gene: RYR2 (ryanodine receptor 2; plus strand). Cytogenetic location: 1q43.
Variant type: single nucleotide variant.
Coding change: c.6211C>T on transcript NM_001035.3 (MANE Select); coding-DNA position 6211, C replaced by T.
Protein change: p.Gln2071Ter; replaces glutamine 2071 with a stop codon.
Molecular consequence: nonsense.
Genome position (GRCh38, 1-based): chr1:237,627,851, C>T. VCF-style: chr1-237627851-C-T. GRCh37 (hg19) VCF-style: chr1-237791151-C-T.
Other names: short protein forms Q2071*.
Identifiers: ClinVar variation 2774319 (VCV002774319.2), dbSNP rs2546887970, ClinGen allele CA345410487.
Genomic context (GRCh38, chr1:237,627,851, plus strand): 5'-CATAATGACTTTGCAGCCACTCTGCAGCAGCTGATTTCTGAGACCATGGTCCGATGGGCT[C>T]AGGAGTCTGTCATTGAAGACCCCGAGCTGGTGAGGGCCATGTTTGTGTTGCTCCATCGGC-3'

ClinVar aggregate classification (germline): Uncertain significance (1 of 4 stars; one submission).

Conditions:
Cardiomyopathy (CMYO). Also called: Cardiomyopathies. Identifiers: Orphanet 167848, MedGen C0878544, MONDO:0004994, HP:0001638. Inheritance: Various modes of inheritance.

Submission:

Color Diagnostics, LLC DBA Color Health
Classification: Uncertain significance for Cardiomyopathy. Last evaluated: 2022-01-24. Review status: criteria provided, single submitter. Criteria: ACMG Guidelines, 2015. Collection method: clinical testing. Allele origin: germline.
Comment: This variant changes 1 nucleotide in exon 41 of the RYR2 gene, creating a premature translation stop signal. This variant is expected to result in an absent or non-functional protein product. To our knowledge, this variant has not been reported in individuals affected with cardiovascular disorders in the literature. This variant has not been identified in the general population by the Genome Aggregation Database (gnomAD). Clinical relevance of loss-of-function truncation and splice variants in the RYR2 gene is not clearly established. The available evidence is insufficient to determine the role of this variant in disease conclusively. Therefore, this variant is classified as a Variant of Uncertain Significance.